The following is an entry in ClinVar:

NM_001099922.3(ALG13):c.2093C>T (p.Ser698Leu)

Gene: ALG13 (ALG13 UDP-N-acetylglucosaminyltransferase subunit; plus strand). Cytogenetic location: Xq23.
Variant type: single nucleotide variant.
Coding change: c.2093C>T on transcript NM_001099922.3 (MANE Select); coding-DNA position 2093, C replaced by T.
Protein change: p.Ser698Leu; replaces serine 698 with leucine.
Molecular consequence: missense variant. On other transcripts: non-coding transcript variant (1).
Genome position (GRCh38, 1-based): chrX:111,727,616, C>T. VCF-style: chrX-111727616-C-T. GRCh37 (hg19) VCF-style: chrX-110970844-C-T.
Other names: c.1781C>T, p.Ser594Leu (NM_001257230.2, NM_001257234.2, NM_001257237.2); c.1859C>T, p.Ser620Leu (NM_001257231.2); c.2093C>T, p.Ser698Leu (NM_001324292.2); c.1607C>T, p.Ser536Leu (NM_001324293.1); short protein forms S536L, S594L, S620L, S698L.
Identifiers: ClinVar variation 4076944 (VCV004076944.1).

ClinVar aggregate classification (germline): Uncertain significance (1 of 4 stars; one submission).

gnomAD v4.1: 3 of 1,199,345 alleles (0.00025%); highest among the groups gnomAD compares: Middle Eastern, 0.023%; no homozygotes.

Submission:

GeneDx
Classification: Uncertain significance. Last evaluated: 2025-02-22. Review status: criteria provided, single submitter. Criteria: GeneDx Variant Classification Process June 2021. Collection method: clinical testing. Allele origin: germline. Affected: yes.
Comment: Not observed at significant frequency in large population cohorts (gnomAD); In silico analysis supports that this missense variant has a deleterious effect on protein structure/function; Has not been previously published as pathogenic or benign to our knowledge